The following is an entry in ClinVar:

NM_006361.6(HOXB13):c.601+134G>A

Gene: HOXB13 (homeobox B13; minus strand). Cytogenetic location: 17q21.32.
Variant type: single nucleotide variant.
Coding change: c.601+134G>A on transcript NM_006361.6 (MANE Select); 134 bases into the intron after coding-DNA position 601, G replaced by A.
Molecular consequence: intron variant.
Genome position (GRCh38, 1-based): chr17:48,727,859, C>T on the plus strand (G>A on the coding strand, the complement: HOXB13 is on the minus strand). VCF-style: chr17-48727859-C-T. GRCh37 (hg19) VCF-style: chr17-46805221-C-T.
Identifiers: ClinVar variation 676480 (VCV000676480.2), dbSNP rs9899142, ClinGen allele CA15891372.
Genomic context (GRCh38, chr17:48,727,859, plus strand): 5'-TCAGGCCCCTCACACTGACCTCCATCCAGGCCCTCCAGCTACTCAGACCTCCTTCAGAGT[C>T]CTAATAACCAAGGGAGGAGCACCAAGCTCATCCTCACCAGCTCCAAGTCTCCCTCCTCCT-3'

ClinVar aggregate classification (germline): Benign. Review status: criteria provided, multiple submitters, no conflicts (2 of 4 stars). 2 submissions from 2 submitters: Benign (2). Last evaluated 2018-06-15.

Allele frequency attached by ClinVar (database versions not stated): gnomAD exomes 0.13376; TOPMed 0.16849; gnomAD 0.17293 and 0.17410; 1000 Genomes Project 0.17492; 1000 Genomes Project 30x 0.17661.

Submissions (2):

GeneDx
Classification: Benign. Last evaluated: 2018-06-15. Review status: criteria provided, single submitter. Criteria: GeneDx Variant Classification (06012015). Collection method: clinical testing. Allele origin: germline. Affected: yes.
Comment: This variant is considered likely benign or benign based on one or more of the following criteria: it is a conservative change, it occurs at a poorly conserved position in the protein, it is predicted to be benign by multiple in silico algorithms, and/or has population frequency not consistent with disease.

Breakthrough Genomics
Classification: Benign. Review status: criteria provided, single submitter. Criteria: ACMG Guidelines, 2015. Collection method: not provided. Allele origin: germline. Inheritance: Unknown mechanism. Affected: yes.